The following is an entry in ClinVar:

ClinVar aggregate classification (germline): Uncertain significance. Review status: criteria provided, multiple submitters, no conflicts (2 of 4 stars). 5 submissions from 5 submitters: Uncertain significance (5). Last evaluated 2024-03-05.

Conditions:
RYR1-related disorder. Also called: RYR1-related condition; RYR1-related disorders. Identifiers: MedGen CN239331.
King Denborough syndrome (KDS). Identifiers: MedGen C1840365, MONDO:0020485, OMIM 619542.
Central core myopathy (CMYO1A). Also called: CONGENITAL MYOPATHY 1A, AUTOSOMAL DOMINANT, WITH SUSCEPTIBILITY TO MALIGNANT HYPERTHERMIA; Central core disease; Myopathy, central fibrillar. Identifiers: Orphanet 597, MedGen C5830701, MONDO:0007294, OMIM 117000.
Congenital multicore myopathy with external ophthalmoplegia (CMYO1B). Also called: Minicore myopathy with external ophthalmoplegia; MULTICORE MYOPATHY; MULTIMINICORE DISEASE WITH EXTERNAL OPHTHALMOPLEGIA; Congenital myopathy 1B, autosomal recessive; Minicore myopathy. Identifiers: Orphanet 598, Orphanet 98905, MedGen C1850674, MONDO:0009712, OMIM 255320, HP:0003789.
Malignant hyperthermia, susceptibility to, 1 (MHS1). Also called: Anesthesia related hyperthermia; Malignant hyperpyrexia; Fulminating hyperpyrexia; Pharmacogenic myopathy; RYR1-Related Malignant Hyperthermia Susceptibility; Malignant hyperthermia suceptibility 1. Identifiers: Orphanet 423, MedGen C2930980, MONDO:0007783, OMIM 145600.
Congenital myopathy with fiber type disproportion. Also called: Congenital fiber-type disproportion myopathy; Congenital fiber-type disproportion. Identifiers: Orphanet 2020, MedGen C0546264, MONDO:0009711. Inheritance: all.

gnomAD v4.1: 2 of 1,614,018 alleles (0.00012%); highest among the groups gnomAD compares: African/African-American, 0.0027%; no homozygotes.

Submissions (5):

All of Us Research Program, National Institutes of Health
Classification: Uncertain significance for Malignant hyperthermia, susceptibility to, 1. Last evaluated: 2024-03-05. Review status: criteria provided, single submitter. Criteria: ACMG Guidelines, 2015. Collection method: clinical testing. Allele origin: germline. Inheritance: Autosomal dominant inheritance. Observed: 2 variant alleles, 2 heterozygotes.
Comment: This missense variant replaces proline with histidine at codon 4522 of the RYR1 protein. Computational prediction suggests that this variant may not impact protein structure and function (internally defined REVEL score threshold <= 0.5, PMID: 27666373). To our knowledge, functional studies have not been reported for this variant. This variant has not been reported in individuals affected with RYR1-related disorders in the literature. This variant has not been identified in the general population by the Genome Aggregation Database (gnomAD). The available evidence is insufficient to determine the role of this variant in disease conclusively. Therefore, this variant is classified as a Variant of Uncertain Significance.

This study involves interpretation of variants in research participants for the purpose of population health screening. Participant phenotype was not available at the time of variant classification. Additional details can be found in publication PMID: 35346344, PMCID: PMC8962531

Labcorp Genetics (formerly Invitae), Labcorp
Classification: Uncertain significance for RYR1-related disorder. Last evaluated: 2023-12-11. Review status: criteria provided, single submitter. Criteria: Invitae Variant Classification Sherloc (09022015). Collection method: clinical testing. Allele origin: germline.
Comment: This sequence change replaces proline, which is neutral and non-polar, with histidine, which is basic and polar, at codon 4522 of the RYR1 protein (p.Pro4522His). This variant is not present in population databases (gnomAD no frequency). This variant has not been reported in the literature in individuals affected with RYR1-related conditions. ClinVar contains an entry for this variant (Variation ID: 1339210). Advanced modeling of protein sequence and biophysical properties (such as structural, functional, and spatial information, amino acid conservation, physicochemical variation, residue mobility, and thermodynamic stability) performed at Invitae indicates that this missense variant is not expected to disrupt RYR1 protein function with a negative predictive value of 95%. In summary, the available evidence is currently insufficient to determine the role of this variant in disease. Therefore, it has been classified as a Variant of Uncertain Significance.

Color Diagnostics, LLC DBA Color Health
Classification: Uncertain significance for Malignant hyperthermia, susceptibility to, 1. Last evaluated: 2023-07-25. Review status: criteria provided, single submitter. Criteria: ACMG Guidelines, 2015. Collection method: clinical testing. Allele origin: germline.
Comment: This missense variant replaces proline with histidine at codon 4522 of the RYR1 protein. Computational prediction suggests that this variant may not impact protein structure and function. To our knowledge, functional studies have not been reported for this variant. This variant has not been reported in individuals affected with RYR1-related disorders in the literature. This variant has not been identified in the general population by the Genome Aggregation Database (gnomAD). The available evidence is insufficient to determine the role of this variant in disease conclusively. Therefore, this variant is classified as a Variant of Uncertain Significance.

Fulgent Genetics
Classification: Uncertain significance for Central core myopathy; Malignant hyperthermia, susceptibility to, 1; Congenital myopathy 4A, autosomal dominant; Congenital multicore myopathy with external ophthalmoplegia; King Denborough syndrome. Last evaluated: 2021-08-02. Review status: criteria provided, single submitter. Criteria: ACMG Guidelines, 2015. Collection method: clinical testing. Allele origin: unknown.

Neuberg Centre For Genomic Medicine, NCGM
Classification: Uncertain significance for Central core myopathy. Review status: criteria provided, single submitter. Criteria: ACMG Guidelines, 2015. Collection method: clinical testing. Allele origin: germline. Affected: yes.
Comment: The missense variant p.P4522H in RYR1 (NM_000540.3) has not been reported previously as a pathogenic variant nor as a benign variant, to our knowledge. The p.P4522H variant is novel (not in any individuals) in gnomAD Exomes and is novel (not in any individuals) in 1000 Genomes. There is a moderate physicochemical difference between proline and histidine. The p.P4522H missense variant is predicted to be damaging by both SIFT and PolyPhen2. The nucleotide c.13565 in RYR1 is predicted conserved by GERP++ and PhyloP across 100 vertebrates. For these reasons, this variant has been classified as Uncertain Significance.

NM_000540.3(RYR1):c.13565C>A (p.Pro4522His)

Gene: RYR1 (ryanodine receptor 1; plus strand). Cytogenetic location: 19q13.2.
Variant type: single nucleotide variant.
Coding change: c.13565C>A on transcript NM_000540.3 (MANE Select); coding-DNA position 13565, C replaced by A.
Protein change: p.Pro4522His; replaces proline 4522 with histidine.
Molecular consequence: missense variant.
Genome position (GRCh38, 1-based): chr19:38,567,823, C>A. VCF-style: chr19-38567823-C-A. GRCh37 (hg19) VCF-style: chr19-39058463-C-A.
Other names: c.13550C>A, p.Pro4517His (NM_001042723.2); short protein forms P4517H, P4522H.
Identifiers: ClinVar variation 1339210 (VCV001339210.9), dbSNP rs145167688, ClinGen allele CA405677684.